The following is an entry in ClinVar:

NM_014000.3(VCL):c.2023-1G>C

Gene: VCL (vinculin; plus strand). Cytogenetic location: 10q22.2.
Variant type: single nucleotide variant.
Coding change: c.2023-1G>C on transcript NM_014000.3 (MANE Select); the canonical splice acceptor site of the intron before coding-DNA position 2023, G replaced by C.
Molecular consequence: splice acceptor variant.
Genome position (GRCh38, 1-based): chr10:74,103,819, G>C. VCF-style: chr10-74103819-G-C. GRCh37 (hg19) VCF-style: chr10-75863577-G-C.
Other names: c.2023-1G>C (NM_003373.4).
Identifiers: ClinVar variation 1022022 (VCV001022022.8), dbSNP rs1840093670, ClinGen allele CA377261059.
Genomic context (GRCh38, chr10:74,103,819, plus strand): 5'-GAAGGTTTGTATCTGGAGAGCAAGGGTGCTCTGGTGTTTAAAGGTGTTTTGTCATTGTCA[G>C]GTGGTCTCGGCTGCTCGTATCTTACTTAGGAACCCTGGAAATCAAGCTGCTTATGAACAT-3'

ClinVar aggregate classification (germline): Uncertain significance. Review status: criteria provided, multiple submitters, no conflicts (2 of 4 stars). 2 submissions from 2 submitters: Uncertain significance (2). Last evaluated 2021-09-10.

Conditions:
Dilated cardiomyopathy 1W (CMD1W). Identifiers: Orphanet 154, MedGen C1969639, MONDO:0012667, OMIM 611407.
Hypertrophic cardiomyopathy 15. Identifiers: MedGen C2750459, MONDO:0013200, OMIM 613255.

Allele frequency attached by ClinVar (database versions not stated): gnomAD 0.00001.
gnomAD v4.1: 1 of 1,613,888 alleles (0.000062%); highest among the groups gnomAD compares: African/African-American, 0.0013%; no homozygotes.

Submissions (2):

Fulgent Genetics
Classification: Uncertain significance for Dilated cardiomyopathy 1W; Hypertrophic cardiomyopathy 15. Last evaluated: 2021-09-10. Review status: criteria provided, single submitter. Criteria: ACMG Guidelines, 2015. Collection method: clinical testing. Allele origin: unknown.

Labcorp Genetics (formerly Invitae), Labcorp
Classification: Uncertain significance for Dilated cardiomyopathy 1W. Last evaluated: 2021-05-31. Review status: criteria provided, single submitter. Criteria: Invitae Variant Classification Sherloc (09022015). Collection method: clinical testing. Allele origin: germline.
Comment: The current clinical and genetic evidence is not sufficient to establish whether loss-of-function variants in VCL cause disease. Algorithms developed to predict the effect of sequence changes on RNA splicing suggest that this variant may disrupt the consensus splice site, but this prediction has not been confirmed by published transcriptional studies. This variant has not been reported in the literature in individuals with VCL-related conditions. This variant is not present in population databases (ExAC no frequency). This sequence change affects an acceptor splice site in intron 14 of the VCL gene. It is expected to disrupt RNA splicing and likely results in an absent or disrupted protein product. In summary, the available evidence is currently insufficient to determine the role of this variant in disease. Therefore, it has been classified as a Variant of Uncertain Significance.